The following is an entry in ClinVar:

NM_016042.4(EXOSC3):c.491A>G (p.Tyr164Cys)

Gene: EXOSC3 (exosome component 3; minus strand). Cytogenetic location: 9p13.2.
Variant type: single nucleotide variant.
Coding change: c.491A>G on transcript NM_016042.4 (MANE Select); coding-DNA position 491, A replaced by G.
Protein change: p.Tyr164Cys; replaces tyrosine 164 with cysteine.
Molecular consequence: missense variant. On other transcripts: intron variant (1).
Genome position (GRCh38, 1-based): chr9:37,782,121, T>C on the plus strand (A>G on the coding strand, the complement: EXOSC3 is on the minus strand). VCF-style: chr9-37782121-T-C. GRCh37 (hg19) VCF-style: chr9-37782118-T-C.
Other names: c.475-1241A>G (NM_001002269.2); short protein forms Y164C.
Identifiers: ClinVar variation 2089777 (VCV002089777.4), dbSNP rs1200553521, ClinGen allele CA373475222.

ClinVar aggregate classification (germline): Uncertain significance (1 of 4 stars; one submission).

Conditions:
Pontocerebellar hypoplasia type 1B. Also called: EXOSC3 Pontocerebellar Hypoplasia. Identifiers: Orphanet 2254, MedGen C3553449, MONDO:0013853, OMIM 614678.

Allele frequency attached by ClinVar (database versions not stated): gnomAD exomes below 0.00001.
gnomAD v4.1: 6 of 1,613,878 alleles (0.00037%); highest among the groups gnomAD compares: East Asian, 0.0022%; no homozygotes.

Submission:

Labcorp Genetics (formerly Invitae), Labcorp
Classification: Uncertain significance for Pontocerebellar hypoplasia type 1B. Last evaluated: 2022-01-26. Review status: criteria provided, single submitter. Criteria: Invitae Variant Classification Sherloc (09022015). Collection method: clinical testing. Allele origin: germline.
Comment: Algorithms developed to predict the effect of missense changes on protein structure and function (SIFT, PolyPhen-2, Align-GVGD) all suggest that this variant is likely to be disruptive. This variant has not been reported in the literature in individuals affected with EXOSC3-related conditions. This variant is present in population databases (no rsID available, gnomAD 0.006%). This sequence change replaces tyrosine, which is neutral and polar, with cysteine, which is neutral and slightly polar, at codon 164 of the EXOSC3 protein (p.Tyr164Cys). In summary, the available evidence is currently insufficient to determine the role of this variant in disease. Therefore, it has been classified as a Variant of Uncertain Significance.